The following is an entry in ClinVar:

NM_177531.6(PKHD1L1):c.5777-4dup

Gene: PKHD1L1 (PKHD1 like 1; plus strand). Cytogenetic location: 8q23.1.
Variant type: Duplication.
Coding change: c.5777-4dup on transcript NM_177531.6 (MANE Select); 4 bases into the intron before coding-DNA position 5777, one base duplicated (T; older notation c.5777-4dupT).
Molecular consequence: intron variant.
Genome position (GRCh38, 1-based): chr8:109,448,139, T duplicated; the last of 13 consecutive T bases (chr8:109,448,127-109,448,139); duplicating any one gives the same sequence. VCF-style (leftmost placement, unchanged base first): chr8-109448126-C-CT. GRCh37 (hg19) VCF-style: chr8-110460355-C-CT.
Identifiers: ClinVar variation 3347240 (VCV003347240.1).

ClinVar aggregate classification (germline): Likely benign (0 of 4 stars; one submission).

Conditions:
PKHD1L1-related disorder. Also called: PKHD1L1-related condition.

Submission:

PreventionGenetics, part of Exact Sciences
Classification: Likely benign for PKHD1L1-related condition. Last evaluated: 2024-06-03. Review status: no assertion criteria provided. Collection method: clinical testing. Allele origin: germline.
Comment: This variant is classified as likely benign based on ACMG/AMP sequence variant interpretation guidelines (Richards et al. 2015 PMID: 25741868, with internal and published modifications).